The following is an entry in ClinVar:

NM_004356.4(CD81):c.9G>C (p.Val3=)

Genes: CD81 (CD81 molecule; plus strand), CD81-AS1 (CD81 antisense RNA 1; minus strand). Cytogenetic location: 11p15.5.
Variant type: single nucleotide variant.
Coding change: c.9G>C on transcript NM_004356.4 (MANE Select); coding-DNA position 9, G replaced by C.
Protein change: p.Val3=; no amino-acid change (valine 3 retained).
Molecular consequence: synonymous variant. On other transcripts: intron variant (1).
Genome position (GRCh38, 1-based): chr11:2,377,558, G>C. VCF-style: chr11-2377558-G-C. GRCh37 (hg19) VCF-style: chr11-2398788-G-C.
Other names: c.-148+1201G>C (NM_001297649.2); c.9G>C (NM_004356.3).
Identifiers: ClinVar variation 1460443 (VCV001460443.11), dbSNP rs532332389, ClinGen allele CA5819749.

ClinVar aggregate classification (germline): Likely benign. Review status: criteria provided, multiple submitters, no conflicts (2 of 4 stars). 3 submissions from 3 submitters: Likely benign (2). 1 of the submissions does not count toward it. Last evaluated 2026-01-06.

Conditions:
CD81-related disorder. Also called: CD81-related condition.

Allele frequency attached by ClinVar (database versions not stated): TOPMed 0.00001; gnomAD 0.00007; gnomAD exomes 0.00013; ExAC 0.00056; 1000 Genomes Project 30x 0.00125; 1000 Genomes Project 0.00160.
gnomAD v4.1: 120 of 1,483,026 alleles (0.0081%); highest among the groups gnomAD compares: South Asian, 0.14%; 3 homozygotes.

Submissions (3):

Labcorp Genetics (formerly Invitae), Labcorp
Classification: Likely benign. Last evaluated: 2026-01-06. Review status: criteria provided, single submitter. Criteria: Invitae Variant Classification Sherloc (09022015). Collection method: clinical testing. Allele origin: germline.

Blueprint Genetics
Classification: Likely benign. Last evaluated: 2023-02-23. Review status: criteria provided, single submitter. Criteria: ACMG Guidelines, 2015. Collection method: clinical testing. Allele origin: germline.

PreventionGenetics, part of Exact Sciences
Classification: Likely benign for CD81-related condition. Last evaluated: 2024-02-22. Review status: no assertion criteria provided. Collection method: clinical testing. Allele origin: germline. Not counted in ClinVar's aggregate classification.
Comment: This variant is classified as likely benign based on ACMG/AMP sequence variant interpretation guidelines (Richards et al. 2015 PMID: 25741868, with internal and published modifications).